The following is an entry in ClinVar:

ClinVar aggregate classification (germline): Uncertain significance (1 of 4 stars; one submission).

Conditions:
Leber congenital amaurosis 12 (LCA12). Identifiers: Orphanet 65, MedGen C1857743, MONDO:0012525, OMIM 610612.

Allele frequency attached by ClinVar (database versions not stated): gnomAD exomes 0.00002; TOPMed 0.00008; 1000 Genomes Project 30x 0.00016; 1000 Genomes Project 0.00020; ESP Exome Variant Server 0.00023.
gnomAD v4.1: 14 of 1,614,064 alleles (0.00087%); highest among the groups gnomAD compares: African/African-American, 0.019%; no homozygotes.

Submission:

Labcorp Genetics (formerly Invitae), Labcorp
Classification: Uncertain significance for Leber congenital amaurosis 12. Last evaluated: 2024-10-21. Review status: criteria provided, single submitter. Criteria: Invitae Variant Classification Sherloc (09022015). Collection method: clinical testing. Allele origin: germline.
Comment: This sequence change replaces alanine, which is neutral and non-polar, with aspartic acid, which is acidic and polar, at codon 22 of the RD3 protein (p.Ala22Asp). This variant is present in population databases (rs371743426, gnomAD 0.02%). This variant has not been reported in the literature in individuals affected with RD3-related conditions. ClinVar contains an entry for this variant (Variation ID: 1024198). An algorithm developed to predict the effect of missense changes on protein structure and function (PolyPhen-2) suggests that this variant is likely to be tolerated. In summary, the available evidence is currently insufficient to determine the role of this variant in disease. Therefore, it has been classified as a Variant of Uncertain Significance.

NM_001164688.2(RD3):c.65C>A (p.Ala22Asp)

Gene: RD3 (RD3 regulator of GUCY2D; minus strand). Cytogenetic location: 1q32.3.
Variant type: single nucleotide variant.
Coding change: c.65C>A on transcript NM_001164688.2 (MANE Select); coding-DNA position 65, C replaced by A.
Protein change: p.Ala22Asp; replaces alanine 22 with aspartic acid.
Molecular consequence: missense variant.
Genome position (GRCh38, 1-based): chr1:211,481,351, G>T on the plus strand (C>A on the coding strand, the complement: RD3 is on the minus strand). VCF-style: chr1-211481351-G-T. GRCh37 (hg19) VCF-style: chr1-211654693-G-T.
Other names: c.65C>A, p.Ala22Asp (NM_183059.3); short protein forms A22D.
Identifiers: ClinVar variation 1024198 (VCV001024198.8), dbSNP rs371743426, ClinGen allele CA1381165.